The following is an entry in ClinVar:

NM_001134831.2(AHI1):c.1093A>G (p.Met365Val)

Gene: AHI1 (Abelson helper integration site 1; minus strand). Cytogenetic location: 6q23.3.
Variant type: single nucleotide variant.
Coding change: c.1093A>G on transcript NM_001134831.2 (MANE Select); coding-DNA position 1093, A replaced by G.
Protein change: p.Met365Val; replaces methionine 365 with valine.
Molecular consequence: missense variant.
Genome position (GRCh38, 1-based): chr6:135,457,552, T>C on the plus strand (A>G on the coding strand, the complement: AHI1 is on the minus strand). VCF-style: chr6-135457552-T-C. GRCh37 (hg19) VCF-style: chr6-135778690-T-C.
Other names: c.1093A>G, p.Met365Val (NM_001134830.2, NM_001134832.2, NM_001350503.2 and 2 more transcripts); short protein forms M365V.
Identifiers: ClinVar variation 2081976 (VCV002081976.3), dbSNP rs888935350, ClinGen allele CA148143091.
Genomic context (GRCh38, chr6:135,457,552, plus strand): 5'-ACCTATCATCTTTCTTGACATATTGACCAGTATGCTCATCAACCACATGAATTTTTACCA[T>C]TGGGTGAGAAATCATAAAATCTGACTTAAGTCTATCAGTTCGGTGAATGTAAACTCCCAA-3'
Protein context (NP_001128303.1, residues 355-375): LKSDFMISHP[Met365Val]VKIHVVDEHT

ClinVar aggregate classification (germline): Uncertain significance. Review status: criteria provided, multiple submitters, no conflicts (2 of 4 stars). 2 submissions from 2 submitters: Uncertain significance (2). Last evaluated 2025-06-12.

Conditions:
Joubert syndrome. Also called: Familial aplasia of the vermis; JOUBERT-BOLTSHAUSER SYNDROME. Identifiers: Orphanet 475, MedGen C5979921, MONDO:0018772.

Allele frequency attached by ClinVar (database versions not stated): gnomAD exomes below 0.00001.
gnomAD v4.1: 3 of 1,613,910 alleles (0.00019%); highest among the groups gnomAD compares: East Asian, 0.0022%; no homozygotes.

Submissions (2):

Labcorp Genetics (formerly Invitae), Labcorp
Classification: Uncertain significance for Joubert syndrome. Last evaluated: 2025-06-12. Review status: criteria provided, single submitter. Criteria: Invitae Variant Classification Sherloc (09022015). Collection method: clinical testing. Allele origin: germline.
Comment: This sequence change replaces methionine, which is neutral and non-polar, with valine, which is neutral and non-polar, at codon 365 of the AHI1 protein (p.Met365Val). This variant is not present in population databases (gnomAD no frequency). This variant has not been reported in the literature in individuals affected with AHI1-related conditions. ClinVar contains an entry for this variant (Variation ID: 2081976). Invitae Evidence Modeling of protein sequence and biophysical properties (such as structural, functional, and spatial information, amino acid conservation, physicochemical variation, residue mobility, and thermodynamic stability) indicates that this missense variant is not expected to disrupt AHI1 protein function with a negative predictive value of 95%. In summary, the available evidence is currently insufficient to determine the role of this variant in disease. Therefore, it has been classified as a Variant of Uncertain Significance.

Blueprint Genetics
Classification: Uncertain significance. Last evaluated: 2021-09-18. Review status: criteria provided, single submitter. Criteria: ACMG Guidelines, 2015. Collection method: clinical testing. Allele origin: germline.